The following is an entry in ClinVar:

ClinVar aggregate classification (germline): Benign/Likely benign. Review status: criteria provided, multiple submitters, no conflicts (2 of 4 stars). 3 submissions from 3 submitters: Benign (1); Likely benign (2). Last evaluated 2025-06-04.

Conditions:
Hereditary cancer-predisposing syndrome. Also called: Tumor predisposition; Hereditary Cancer Syndrome; Neoplastic Syndromes, Hereditary; Hereditary neoplastic syndrome. Identifiers: Orphanet 140162, MedGen C0027672, MeSH D009386, MONDO:0015356.
Tuberous sclerosis 2 (TSC2). Identifiers: Orphanet 805, MedGen C1860707, MONDO:0013199, OMIM 613254.

Allele frequency attached by ClinVar (database versions not stated): gnomAD 0.00001; TOPMed 0.00001.
gnomAD v4.1: 3 of 1,612,624 alleles (0.00019%); highest among the groups gnomAD compares: African/African-American, 0.004%; no homozygotes.

Submissions (3):

Myriad Genetics, Inc.
Classification: Benign for Tuberous sclerosis 2. Last evaluated: 2025-06-04. Review status: criteria provided, single submitter. Criteria: Myriad Autosomal Dominant, Autosomal Recessive and X-Linked Classification Criteria (2023). Collection method: clinical testing. Allele origin: unknown.
Comment: This variant is considered benign. This variant is a silent/synonymous amino acid change and it is not expected to impact splicing.

Labcorp Genetics (formerly Invitae), Labcorp
Classification: Likely benign for Tuberous sclerosis 2. Last evaluated: 2025-01-07. Review status: criteria provided, single submitter. Criteria: Invitae Variant Classification Sherloc (09022015). Collection method: clinical testing. Allele origin: germline.

Ambry Genetics
Classification: Likely benign for Hereditary cancer-predisposing syndrome. Last evaluated: 2023-02-04. Review status: criteria provided, single submitter. Criteria: Ambry Variant Classification Scheme 2023. Collection method: clinical testing. Allele origin: germline.

NM_000548.5(TSC2):c.4626C>A (p.Thr1542=)

Gene: TSC2 (TSC complex subunit 2; plus strand). Cytogenetic location: 16p13.3.
Variant type: single nucleotide variant.
Coding change: c.4626C>A on transcript NM_000548.5 (MANE Select); coding-DNA position 4626, C replaced by A.
Protein change: p.Thr1542=; no amino-acid change (threonine 1542 retained).
Molecular consequence: synonymous variant.
Genome position (GRCh38, 1-based): chr16:2,085,286, C>A. VCF-style: chr16-2085286-C-A. GRCh37 (hg19) VCF-style: chr16-2135287-C-A.
Other names: c.4425C>A, p.Thr1475= (NM_001077183.3); c.4557C>A, p.Thr1519= (NM_001114382.3); c.4317C>A, p.Thr1439= (NM_001318827.2); c.4281C>A, p.Thr1427= (NM_001318829.2); c.3894C>A, p.Thr1298= (NM_001318831.2); c.4458C>A, p.Thr1486= (NM_001318832.2); c.4428C>A, p.Thr1476= (NM_001363528.2); c.4494C>A, p.Thr1498= (NM_001370404.1); and 1 more.
Identifiers: ClinVar variation 755660 (VCV000755660.13), dbSNP rs1164781795, ClinGen allele CA492958401.
Genomic context (GRCh38, chr16:2,085,286, plus strand): 5'-ACAGTCACAGTCCTTTGAGCGGTCGGTGCAGCTCCTCGACCAGATCCCATCATACGACAC[C>A]CACAAGATCGCCGTCCTGTATGTTGGAGAAGGCCAGGTGAGGCTGCGGGGCCGGCCTAGG-3'
Protein context (NP_000539.2, residues 1532-1552): QLLDQIPSYD[Thr1542=]HKIAVLYVGE